The following is an entry in ClinVar:

ClinVar aggregate classification (germline): Likely pathogenic (1 of 4 stars; one submission).

Conditions:
Pitt-Hopkins syndrome (PTHS). Also called: MENTAL RETARDATION, SYNDROMAL, WITH INTERMITTENT HYPERVENTILATION; ENCEPHALOPATHY, SEVERE EPILEPTIC, WITH AUTONOMIC DYSFUNCTION. Identifiers: Orphanet 2896, MedGen C1970431, MONDO:0012589, OMIM 610954.

Submission:

Dubai Health Genomic Medicine Center, Dubai Health
Classification: Likely pathogenic for Pitt-Hopkins syndrome. Last evaluated: 2024-10-04. Review status: criteria provided, single submitter. Criteria: ACMG Guidelines, 2015. Collection method: research. Allele origin: germline. Affected: yes.
Comment: PVS1,PM2,PP1

NM_001083962.2(TCF4):c.947del (p.Gly316fs)

Gene: TCF4 (transcription factor 4; minus strand). Cytogenetic location: 18q21.2.
Variant type: Deletion.
Coding change: c.947del on transcript NM_001083962.2 (MANE Select); coding-DNA position 947, one base deleted (G; older notation c.947delG).
Protein change: p.Gly316fs; shifts the reading frame from glycine 316.
Molecular consequence: frameshift variant.
Genome position (GRCh38, 1-based): chr18:55,261,509, C deleted on the plus strand (G on the coding strand, the reverse complement: TCF4 is on the minus strand); the first of 2 consecutive C bases (chr18:55,261,509-55,261,510); deleting either gives the same sequence. VCF-style (leftmost placement, unchanged base first): chr18-55261508-GC-G. GRCh37 (hg19) VCF-style: chr18-52928739-GC-G.
Other names: c.875del, p.Gly292fs (NM_001369579.1, NM_001369580.1, NM_001369582.1 and 9 more transcripts); c.872del, p.Gly291fs (NM_001369581.1, NM_001369584.1, NM_001369585.1 and 3 more transcripts); c.947del, p.Gly316fs (NM_003199.3, NM_001330604.3, NM_001369567.1 and 4 more transcripts); c.1253del, p.Gly418fs (NM_001243226.3); c.965del, p.Gly322fs (NM_001243228.2); c.941del, p.Gly314fs (NM_001243230.2); c.821del, p.Gly274fs (NM_001243231.2, NM_001348211.2); c.734del, p.Gly245fs (NM_001243232.1, NM_001306208.1); and 4 more; short protein forms G100fs, G156fs, G186fs, G245fs, G274fs, G291fs, G292fs, G314fs.
Identifiers: ClinVar variation 3384032 (VCV003384032.1).
Genomic context (GRCh38, chr18:55,261,508, plus strand): 5'-AAGTCAATATTTCCTCACCGAAGCAAGTGCTTTCCCCAGAGCATCTCCAGTCTGGGAGCT[GC>G]CGGCTGCCCCGCTTCCTCTATTTGCTGCAAAAACAAAAGGCAGAATATGAAAACCAGGCA-3'